The following is an entry in ClinVar:

ClinVar aggregate classification (germline): Likely pathogenic (1 of 4 stars; one submission).

Submission:

CeGaT Center for Human Genetics Tuebingen
Classification: Likely pathogenic. Last evaluated: 2023-06-01. Review status: criteria provided, single submitter. Criteria: CeGaT Center For Human Genetics Tuebingen Variant Classification Criteria Version 2. Collection method: clinical testing. Allele origin: germline. Affected: yes. Observed: 2 variant alleles.
Comment: GPR143: PM1, PM2, PM5, PP4

NM_000273.3(GPR143):c.685G>C (p.Gly229Arg)

Gene: GPR143 (G protein-coupled receptor 143; minus strand). Cytogenetic location: Xp22.2.
Variant type: single nucleotide variant.
Coding change: c.685G>C on transcript NM_000273.3 (MANE Select); coding-DNA position 685, G replaced by C.
Protein change: p.Gly229Arg; replaces glycine 229 with arginine.
Molecular consequence: missense variant.
Genome position (GRCh38, 1-based): chrX:9,743,647, C>G on the plus strand (G>C on the coding strand, the complement: GPR143 is on the minus strand). VCF-style: chrX-9743647-C-G. GRCh37 (hg19) VCF-style: chrX-9711687-C-G.
Other names: short protein forms G229R.
Identifiers: ClinVar variation 2571353 (VCV002571353.27), dbSNP rs2518626868, ClinGen allele CA411996985.
Genomic context (GRCh38, chrX:9,743,647, plus strand): 5'-TTTTGAAAAATCGGATCTTGATCACGGCTCCCATCCTCCTCTCGTTCTCCGTGTAAATGC[C>G]TTGTCTTCCTTTAAGTAAAGAGGCCACTGTGAAGAACAGAAGGAACTATGTATGGTGTTC-3'
Protein context (NP_000264.2, residues 219-239): AVASLLKGRQ[Gly229Arg]IYTENERRMG